The following is an entry in ClinVar:

NM_000051.4(ATM):c.5917del (p.Arg1973fs)

Genes: ATM (ATM serine/threonine kinase; plus strand), C11orf65 (chromosome 11 open reading frame 65; minus strand). Cytogenetic location: 11q22.3.
Variant type: Deletion.
Coding change: c.5917del on transcript NM_000051.4 (MANE Select); coding-DNA position 5917, one base deleted (A; older notation c.5917delA).
Protein change: p.Arg1973fs; shifts the reading frame from arginine 1973.
Molecular consequence: frameshift variant. On other transcripts: intron variant (2).
Genome position (GRCh38, 1-based): chr11:108,310,314, A deleted; the last of 4 consecutive A bases (chr11:108,310,311-108,310,314); deleting any one gives the same sequence. VCF-style (leftmost placement, unchanged base first): chr11-108310310-GA-G. GRCh37 (hg19) VCF-style: chr11-108181037-GA-G.
Other names: c.5917del, p.Arg1973fs (NM_001351834.2); c.641-1240del (NM_001330368.2); c.*39-1240del (NM_001351110.2); short protein forms R1973fs.
Identifiers: ClinVar variation 3147981 (VCV003147981.1), dbSNP rs2084040947, ClinGen allele CA645596403.
Genomic context (GRCh38, chr11:108,310,310, plus strand): 5'-CTTTACAGCTTTACTCTATGCAGAAATCTATGCAGATAAGAAAAGTATGGATGATCAAGA[GA>G]AAAGGTAATGGAATTTAGAATTTTTGGTTTTTAAAATTAATGTTGGCATTGTCTCAATAA-3'

ClinVar aggregate classification (germline): Pathogenic (1 of 4 stars; one submission).

Conditions:
Familial cancer of breast. Also called: hereditary breast carcinoma; BREAST CANCER, FAMILIAL; Hereditary breast cancer. Identifiers: Orphanet 227535, MedGen C0346153, MONDO:0016419, OMIM 114480. Disease mechanism: loss of function.

Submission:

Myriad Genetics, Inc.
Classification: Pathogenic for Familial cancer of breast. Last evaluated: 2024-01-26. Review status: criteria provided, single submitter. Criteria: Myriad Autosomal Dominant, Autosomal Recessive and X-Linked Classification Criteria (2023). Collection method: clinical testing. Allele origin: unknown.
Comment: This variant is considered pathogenic. This variant creates a frameshift predicted to result in premature protein truncation.